The following is an entry in ClinVar:

NM_003000.3(SDHB):c.508dup (p.Tyr170fs)

Gene: SDHB (succinate dehydrogenase complex iron sulfur subunit B; minus strand). Cytogenetic location: 1p36.13.
Variant type: Duplication.
Coding change: c.508dup on transcript NM_003000.3 (MANE Select); coding-DNA position 508, one base duplicated (T; older notation c.508dupT).
Protein change: p.Tyr170fs; shifts the reading frame from tyrosine 170.
Molecular consequence: frameshift variant.
Genome position (GRCh38, 1-based): chr1:17,027,781, A duplicated on the plus strand (T on the coding strand, the reverse complement: SDHB is on the minus strand). VCF-style (leftmost placement, unchanged base first): chr1-17027780-T-TA. GRCh37 (hg19) VCF-style: chr1-17354275-T-TA.
Other names: c.454dup, p.Tyr152fs (NM_001407361.1); short protein forms Y152fs, Y170fs.
Identifiers: ClinVar variation 2943394 (VCV002943394.3), dbSNP rs2525017627, ClinGen allele CA2586964056.
Genomic context (GRCh38, chr1:17,027,780, plus strand): 5'-GATTGAAACAATAAATAGGGACTAATGACCAGTTTCTCACGCTCTTCTATGGACTGCAGA[T>TA]ACTGCTGCTTGCCTTCCTGAGATTCATCCTTCTTCTTCAAATAAGGCTCAATGGATTTGT-3'

ClinVar aggregate classification (germline): Pathogenic (1 of 4 stars; one submission).

Conditions:
Pheochromocytoma. Also called: MAX-Related Hereditary Paraganglioma-Pheochromocytoma Syndrome. Identifiers: Orphanet 29072, MedGen C0031511, MONDO:0008233, OMIM 171300, HP:0002666.
Gastrointestinal stromal tumor. Also called: Gastrointestinal stromal tumor, somatic; Gastrointestinal stroma tumor. Identifiers: Orphanet 44890, MedGen C0238198, MeSH D046152, MONDO:0011719, OMIM 606764, HP:0100723.
Pheochromocytoma/paraganglioma syndrome 4. Also called: CAROTID BODY TUMORS AND MULTIPLE EXTRAADRENAL PHEOCHROMOCYTOMAS; PARAGANGLIOMA, FAMILIAL MALIGNANT; PARAGANGLIOMAS, HEREDITARY EXTRAADRENAL; PHEOCHROMOCYTOMA, FAMILIAL EXTRAADRENAL; Paragangliomas 4; SDHB-Related Hereditary Paraganglioma-Pheochromocytoma Syndrome (Paragangliomas 4). Identifiers: Orphanet 29072, MedGen C1861848, MONDO:0007273, OMIM 115310.

Submission:

Labcorp Genetics (formerly Invitae), Labcorp
Classification: Pathogenic for Gastrointestinal stromal tumor; Pheochromocytoma/paraganglioma syndrome 4; Pheochromocytoma. Last evaluated: 2023-01-25. Review status: criteria provided, single submitter. Criteria: Invitae Variant Classification Sherloc (09022015). Collection method: clinical testing. Allele origin: germline.
Comment: For these reasons, this variant has been classified as Pathogenic. This premature translational stop signal has been observed in individual(s) with SDHB-related conditions (PMID: 33777662). This variant is not present in population databases (gnomAD no frequency). This sequence change creates a premature translational stop signal (p.Tyr170Leufs*9) in the SDHB gene. It is expected to result in an absent or disrupted protein product. Loss-of-function variants in SDHB are known to be pathogenic (PMID: 19454582, 19802898).

Literature cited by the submitters: PubMed 33777662; PubMed 19454582; PubMed 19802898.